The following is an entry in ClinVar:

NM_032119.4(ADGRV1):c.12101T>G (p.Phe4034Cys)

Gene: ADGRV1 (adhesion G protein-coupled receptor V1; plus strand). Cytogenetic location: 5q14.3.
Variant type: single nucleotide variant.
Coding change: c.12101T>G on transcript NM_032119.4 (MANE Select); coding-DNA position 12101, T replaced by G.
Protein change: p.Phe4034Cys; replaces phenylalanine 4034 with cysteine.
Molecular consequence: missense variant. On other transcripts: non-coding transcript variant (1).
Genome position (GRCh38, 1-based): chr5:90,759,569, T>G. VCF-style: chr5-90759569-T-G. GRCh37 (hg19) VCF-style: chr5-90055386-T-G.
Other names: short protein forms F4034C.
Identifiers: ClinVar variation 228265 (VCV000228265.4), dbSNP rs876657647, ClinGen allele CA10576668.

ClinVar aggregate classification (germline): Likely pathogenic (1 of 4 stars; one submission).

Conditions:
Rare genetic deafness. Identifiers: Orphanet 96210, MedGen C5680250.

Allele frequency attached by ClinVar (database versions not stated): gnomAD exomes below 0.00001; TOPMed below 0.00001; gnomAD 0.00001.
gnomAD v4.1: 2 of 1,613,300 alleles (0.00012%); highest among the groups gnomAD compares: Non-Finnish European, 0.00017%; no homozygotes.

Submission:

Laboratory for Molecular Medicine, Mass General Brigham Personalized Medicine
Classification: Likely pathogenic for Rare genetic deafness. Last evaluated: 2015-07-28. Review status: criteria provided, single submitter. Criteria: LMM Criteria. Collection method: clinical testing. Allele origin: germline. Inheritance: Autosomal recessive inheritance. Observed: 2 variant alleles.
Comment: The p.Phe4034Cys variant in GPR98 has not been previously reported in individual s with hearing loss or Usher syndrome and was absent from large population studi es, including >60,000 European chromosomes analyzed by the Exome Aggregation C onsortium (ExAC) . Computational prediction tool s and conservation analysis suggest that this variant may impact the protein. In addition, the presence of this variant in trans with a pathogenic variant in an individual with hearing loss increases the likelihood that the p.Phe4034Cys var iant is pathogenic. In summary, although additional studies are required to full y establish its clinical significance, this variant is likely pathogenic.